The following is an entry in ClinVar:

NM_001270974.2(HYDIN):c.14194G>A (p.Ala4732Thr)

Gene: HYDIN (HYDIN axonemal central pair apparatus protein; minus strand). Cytogenetic location: 16q22.2.
Variant type: single nucleotide variant.
Coding change: c.14194G>A on transcript NM_001270974.2 (MANE Select); coding-DNA position 14194, G replaced by A.
Protein change: p.Ala4732Thr; replaces alanine 4732 with threonine.
Molecular consequence: missense variant.
Genome position (GRCh38, 1-based): chr16:70,828,348, C>T on the plus strand (G>A on the coding strand, the complement: HYDIN is on the minus strand). VCF-style: chr16-70828348-C-T. GRCh37 (hg19) VCF-style: chr16-70862251-C-T.
Other names: short protein forms A4732T.
Identifiers: ClinVar variation 4795611 (VCV004795611.1).

ClinVar aggregate classification (germline): Uncertain significance (1 of 4 stars; one submission).

Submission:

GeneDx
Classification: Uncertain significance. Last evaluated: 2025-08-11. Review status: criteria provided, single submitter. Criteria: GeneDx Variant Classification Process June 2021. Collection method: clinical testing. Allele origin: germline. Affected: yes.
Comment: Not observed at significant frequency in large population cohorts (gnomAD); In silico analysis suggests that this missense variant does not alter protein structure/function; Has not been previously published as pathogenic or benign to our knowledge